The following is an entry in ClinVar:

ClinVar aggregate classification (germline): Uncertain significance. Review status: criteria provided, multiple submitters, no conflicts (2 of 4 stars). 2 submissions from 2 submitters: Uncertain significance (2). Last evaluated 2025-11-25.

Conditions:
Dextro-looped transposition of the great arteries. Also called: Dextrotransposition of the great arteries. Identifiers: Orphanet 860, MedGen C3531771, MONDO:0019443, OMIM 608808, HP:0031348.
Inborn genetic diseases. Identifiers: MedGen C0950123, MeSH D030342.

Submissions (2):

Ambry Genetics
Classification: Uncertain significance for Inborn genetic diseases. Last evaluated: 2025-11-25. Review status: criteria provided, single submitter. Criteria: Ambry Variant Classification Scheme 2023. Collection method: clinical testing. Allele origin: germline.
Comment: The c.6527T>C (p.L2176P) alteration is located in exon 31 (coding exon 31) of the MED13L gene. This alteration results from a T to C substitution at nucleotide position 6527, causing the leucine (L) at amino acid position 2176 to be replaced by a proline (P). This variant was not reported in population-based cohorts in the Genome Aggregation Database (gnomAD). This amino acid position is highly conserved in available vertebrate species. This missense alteration is located in a region that has a low rate of benign missense variation (Lek, 2016; Firth, 2009). This alteration is predicted to be deleterious by in silico analysis. Based on insufficient or conflicting evidence, the clinical significance of this alteration remains unclear.

Labcorp Genetics (formerly Invitae), Labcorp
Classification: Uncertain significance for Dextro-looped transposition of the great arteries. Last evaluated: 2024-04-25. Review status: criteria provided, single submitter. Criteria: Invitae Variant Classification Sherloc (09022015). Collection method: clinical testing. Allele origin: germline.
Comment: This sequence change replaces leucine, which is neutral and non-polar, with proline, which is neutral and non-polar, at codon 2176 of the MED13L protein (p.Leu2176Pro). This variant is not present in population databases (gnomAD no frequency). This variant has not been reported in the literature in individuals affected with MED13L-related conditions. Advanced modeling of protein sequence and biophysical properties (such as structural, functional, and spatial information, amino acid conservation, physicochemical variation, residue mobility, and thermodynamic stability) performed at Invitae indicates that this missense variant is expected to disrupt MED13L protein function with a positive predictive value of 80%. In summary, the available evidence is currently insufficient to determine the role of this variant in disease. Therefore, it has been classified as a Variant of Uncertain Significance.

NM_015335.5(MED13L):c.6527T>C (p.Leu2176Pro)

Gene: MED13L (mediator complex subunit 13L; minus strand). Cytogenetic location: 12q24.21.
Variant type: single nucleotide variant.
Coding change: c.6527T>C on transcript NM_015335.5 (MANE Select); coding-DNA position 6527, T replaced by C.
Protein change: p.Leu2176Pro; replaces leucine 2176 with proline.
Molecular consequence: missense variant.
Genome position (GRCh38, 1-based): chr12:115,961,372, A>G on the plus strand (T>C on the coding strand, the complement: MED13L is on the minus strand). VCF-style: chr12-115961372-A-G. GRCh37 (hg19) VCF-style: chr12-116399177-A-G.
Other names: c.6527T>C (NM_015335.4); short protein forms L2176P.
Identifiers: ClinVar variation 3683937 (VCV003683937.2).